The following is an entry in ClinVar:

NM_003924.4(PHOX2B):c.96C>A (p.Asp32Glu)

Genes: PHOX2B-AS1 (PHOX2B antisense RNA 1; plus strand), PHOX2B (paired like homeobox 2B; minus strand). Cytogenetic location: 4p13.
Variant type: single nucleotide variant.
Coding change: c.96C>A on transcript NM_003924.4 (MANE Select); coding-DNA position 96, C replaced by A.
Protein change: p.Asp32Glu; replaces aspartic acid 32 with glutamic acid.
Molecular consequence: missense variant.
Genome position (GRCh38, 1-based): chr4:41,748,515, G>T on the plus strand (C>A on the coding strand, the complement: PHOX2B is on the minus strand). VCF-style: chr4-41748515-G-T. GRCh37 (hg19) VCF-style: chr4-41750532-G-T.
Other names: short protein forms D32E.
Identifiers: ClinVar variation 1767873 (VCV001767873.2), dbSNP rs2552097187, ClinGen allele CA356741100.

ClinVar aggregate classification (germline): Uncertain significance (1 of 4 stars; one submission).

Conditions:
Hereditary cancer-predisposing syndrome. Also called: Hereditary Cancer Syndrome; Hereditary neoplastic syndrome; Neoplastic Syndromes, Hereditary; Tumor predisposition. Identifiers: Orphanet 140162, MedGen C0027672, MeSH D009386, MONDO:0015356.

Allele frequency attached by ClinVar (database versions not stated): gnomAD exomes below 0.00001.
gnomAD v4.1: 2 of 1,614,224 alleles (0.00012%); highest among the groups gnomAD compares: Non-Finnish European, 0.000085%; no homozygotes.

Submission:

Ambry Genetics
Classification: Uncertain significance for Hereditary cancer-predisposing syndrome. Last evaluated: 2021-09-03. Review status: criteria provided, single submitter. Criteria: Ambry Variant Classification Scheme 2023. Collection method: clinical testing. Allele origin: germline.
Comment: The p.D32E variant (also known as c.96C>A), located in coding exon 1 of the PHOX2B gene, results from a C to A substitution at nucleotide position 96. The aspartic acid at codon 32 is replaced by glutamic acid, an amino acid with highly similar properties. This amino acid position is highly conserved in available vertebrate species. In addition, the in silico prediction for this alteration is inconclusive. Since supporting evidence is limited at this time, the clinical significance of this alteration remains unclear.